The following is an entry in ClinVar:

NM_001085487.3(MYSM1):c.688G>C (p.Asp230His)

Gene: MYSM1 (Myb like, SWIRM and MPN domains 1; minus strand). Cytogenetic location: 1p32.1.
Variant type: single nucleotide variant.
Coding change: c.688G>C on transcript NM_001085487.3 (MANE Select); coding-DNA position 688, G replaced by C.
Protein change: p.Asp230His; replaces aspartic acid 230 with histidine.
Molecular consequence: missense variant.
Genome position (GRCh38, 1-based): chr1:58,682,356, C>G on the plus strand (G>C on the coding strand, the complement: MYSM1 is on the minus strand). VCF-style: chr1-58682356-C-G. GRCh37 (hg19) VCF-style: chr1-59148028-C-G.
Other names: c.688G>C (NM_001085487.2); short protein forms D230H.
Identifiers: ClinVar variation 2503517 (VCV002503517.3), dbSNP rs1420877076, ClinGen allele CA340528793.
Genomic context (GRCh38, chr1:58,682,356, plus strand): 5'-GAAAGTCTAACAAGAGATCACTGCTAGAATTCTTCTGGGGTGTTTGAGAAGACAACTCGT[C>G]CACCTCATCTGTGATGTCTACTTCTTCATCATCAGATAACTTTTCAATTTTTACAGCATT-3'
Protein context (NP_001078956.1, residues 220-240): DEEVDITDEV[Asp230His]ELSSQTPQKN

ClinVar aggregate classification (germline): Uncertain significance. Review status: criteria provided, multiple submitters, no conflicts (2 of 4 stars). 3 submissions from 3 submitters: Uncertain significance (3). Last evaluated 2024-08-01.

Conditions:
MYSM1-related disorder. Also called: MYSM1-related condition.
Bone marrow failure syndrome 4. Identifiers: MedGen C4748257, MONDO:0020856, OMIM 618116.
Inborn genetic diseases. Identifiers: MedGen C0950123, MeSH D030342.

Allele frequency attached by ClinVar (database versions not stated): TOPMed 0.00001; gnomAD 0.00002.
gnomAD v4.1: 10 of 1,613,974 alleles (0.00062%); highest among the groups gnomAD compares: Admixed American, 0.0017%; no homozygotes.

Submissions (3):

Ambry Genetics
Classification: Uncertain significance for Inborn genetic diseases. Last evaluated: 2024-08-01. Review status: criteria provided, single submitter. Criteria: Ambry Variant Classification Scheme 2023. Collection method: clinical testing. Allele origin: germline.

PreventionGenetics, part of Exact Sciences
Classification: Uncertain significance for MYSM1-related condition. Last evaluated: 2023-03-25. Review status: criteria provided, single submitter. Criteria: ACMG Guidelines, 2015. Collection method: clinical testing. Allele origin: germline.
Comment: The MYSM1 c.688G>C variant is predicted to result in the amino acid substitution p.Asp230His. To our knowledge, this variant has not been reported in the literature. This variant is reported in 0.00088% of alleles in individuals of European (Non-Finnish) descent in gnomAD. At this time, the clinical significance of this variant is uncertain due to the absence of conclusive functional and genetic evidence.

St. Jude Molecular Pathology, St. Jude Children's Research Hospital
Classification: Uncertain significance for Bone marrow failure syndrome 4. Last evaluated: 2023-03-15. Review status: criteria provided, single submitter. Criteria: St. Jude Assertion Criteria 2020. Collection method: clinical testing. Allele origin: germline.
Comment: The MYSM1 c.688G>C (p.Asp230His) missense change has a maximum subpopulation frequency of 0.00088% in gnomAD v2.1.1. The in silico tool REVEL predicts a benign effect of this variant on protein function, but to our knowledge functional studies have not been performed. To our knowledge, this variant has not been reported in individuals with bone marrow failure. In summary, the evidence currently available is insufficient to determine the clinical significance of this variant. It has therefore been classified as of uncertain significance.